The following is an entry in ClinVar:

ClinVar aggregate classification (germline): Uncertain significance (3 of 4 stars; one submission).

Conditions:
Open-angle glaucoma. Identifiers: MedGen C0017612, MONDO:0005338, HP:0012108.

Allele frequency attached by ClinVar (database versions not stated): ExAC 0.00001; gnomAD 0.00001; TOPMed 0.00002.
gnomAD v4.1: 60 of 1,613,992 alleles (0.0037%); highest among the groups gnomAD compares: Non-Finnish European, 0.0044%; no homozygotes.

Submission:

ClinGen Glaucoma Variant Curation Expert Panel
Classification: Uncertain significance for Open-angle glaucoma. Last evaluated: 2026-01-12. Review status: reviewed by expert panel. Criteria: ClinGen Glaucoma ACMG Specifications V2.0.0 Approved. Collection method: curation. Allele origin: germline. Inheritance: Autosomal dominant inheritance.
Comment: The c.1001T>C variant in MYOC is a missense variant predicted to cause substitution of Leucine by Proline at amino acid 334 (p.Leu334Pro). The highest minor allele frequency of this variant was in the Remaining genetic ancestry group of gnomAD (v4.1.0) = 0.000112 (7 alleles out of 62,486), which did not meet the PM2_Supporting allele frequency threshold (≤ 0.0001) or the BS1 allele frequency threshold (≥ 0.001). The REVEL score = 0.936, which met the ≥ 0.932 threshold for PP3_Strong, predicting a damaging effect on MYOC function. There was no functional evidence predicting a damaging or benign impact of this variant on MYOC function. 3 segregations in 1 family, with juvenile open angle glaucoma (JOAG), have been reported (PMID: 18385784), which fulfilled PP1 (3-4 meioses). Although a proband with JOAG had been reported carrying this variant, PM2_Supporting was not met, therefore PS4 did not apply. In summary, this variant met the criteria to receive a score of 5 and to be classified as a variant of uncertain significance (uncertain significance classification range -1 to 5, adapted from PMID: 32720330) for juvenile open angle glaucoma based on the ACMG/AMP criteria met, as specified by the ClinGen Glaucoma VCEP (v2.0.0, 5 Dec 2024): PP3_Strong, PP1

NM_000261.2(MYOC):c.1001T>C (p.Leu334Pro)

Gene: MYOC (myocilin; minus strand). Cytogenetic location: 1q24.3.
Variant type: single nucleotide variant.
Coding change: c.1001T>C on transcript NM_000261.2 (MANE Select); coding-DNA position 1001, T replaced by C.
Protein change: p.Leu334Pro; replaces leucine 334 with proline.
Molecular consequence: missense variant.
Genome position (GRCh38, 1-based): chr1:171,636,439, A>G on the plus strand (T>C on the coding strand, the complement: MYOC is on the minus strand). VCF-style: chr1-171636439-A-G. GRCh37 (hg19) VCF-style: chr1-171605579-A-G.
Other names: NM_000261.2:c.1001T>C; short protein forms L334P.
Identifiers: ClinVar variation 2570630 (VCV002570630.1), dbSNP rs201206951, ClinGen allele CA1244099.